The following is an entry in ClinVar:

ClinVar aggregate classification (germline): Pathogenic (1 of 4 stars; one submission).

Submission:

Labcorp Genetics (formerly Invitae), Labcorp
Classification: Pathogenic. Last evaluated: 2025-08-25. Review status: criteria provided, single submitter. Criteria: Invitae Variant Classification Sherloc (09022015). Collection method: clinical testing. Allele origin: germline.
Comment: This sequence change creates a premature translational stop signal (p.Glu4Lysfs*14) in the LARP7 gene. It is expected to result in an absent or disrupted protein product. Loss-of-function variants in LARP7 are known to be pathogenic (PMID: 22865833, 26374271, 26607181). This variant is present in population databases (no rsID available, gnomAD 0.0009%). This variant has not been reported in the literature in individuals affected with LARP7-related conditions. For these reasons, this variant has been classified as Pathogenic.

Literature cited by the submitters: PubMed 22865833; PubMed 26374271; PubMed 26607181.

NM_016648.4(LARP7):c.9_10del (p.Glu4fs)

Gene: LARP7 (La ribonucleoprotein 7, transcriptional regulator; plus strand). Cytogenetic location: 4q25.
Variant type: Deletion.
Coding change: c.9_10del on transcript NM_016648.4 (MANE Select); coding-DNA positions 9 to 10, 2 bases deleted (TG; older notation c.9_10delTG).
Protein change: p.Glu4fs; shifts the reading frame from glutamic acid 4.
Molecular consequence: frameshift variant. On other transcripts: 5 prime UTR variant (2).
Genome position (GRCh38, 1-based): chr4:112,644,678-112,644,679, TG deleted. VCF-style (leftmost placement, unchanged base first): chr4-112644677-CTG-C. GRCh37 (hg19) VCF-style: chr4-113565833-CTG-C.
Other names: c.9_10del, p.Glu4fs (NM_001267039.4, NM_001370974.1, NM_001370975.1 and 6 more transcripts); c.-126_-125del (NM_001370981.1, NM_001370982.1); short protein forms E4fs.
Identifiers: ClinVar variation 4711056 (VCV004711056.1).